The following is an entry in ClinVar:

ClinVar aggregate classification (germline): Pathogenic/Likely pathogenic. Review status: criteria provided, multiple submitters, no conflicts (2 of 4 stars). 2 submissions from 2 submitters: Pathogenic (1); Likely pathogenic (1). Last evaluated 2019-01-01.

Conditions:
Landau-Kleffner syndrome (FESD). Also called: EPILEPSY, FOCAL, WITH SPEECH DISORDER AND WITH OR WITHOUT MENTAL RETARDATION; APHASIA, ACQUIRED, WITH EPILEPSY. Identifiers: Orphanet 1945, Orphanet 725, Orphanet 98818, MedGen C0282512, MONDO:0009509, OMIM 245570.

Submissions (2):

Institute of Human Genetics, University of Leipzig Medical Center
Classification: Likely pathogenic for Landau-Kleffner syndrome. Last evaluated: 2019-01-01. Review status: criteria provided, single submitter. Criteria: ACMG Guidelines, 2015. Collection method: research. Allele origin: de novo. Affected: yes.

GeneDx
Classification: Pathogenic. Last evaluated: 2017-03-02. Review status: criteria provided, single submitter. Criteria: GeneDx Variant Classification (06012015). Collection method: clinical testing. Allele origin: germline. Affected: yes.
Comment: The M817R variant in the GRIN2A gene has not been reported previously as a pathogenic variant nor as a benign variant, to our knowledge. However, a missense variant at the same residue (M817V) has been reported as de novo in an individual with severe epilepsy and global developmental delay (Venkateswaran et al., 2014). The M817R variant is not observed in large population cohorts (Lek et al., 2016; 1000 Genomes Consortium et al., 2015; Exome Variant Server). The M817R variant is a non-conservative amino acid substitution, which is likely to impact secondary protein structure as these residues differ in polarity, charge, size and/or other properties. This substitution occurs at a position that is conserved across species, and in silico analysis predicts this variant is probably damaging to the protein structure/function. We interpret M817R as a pathogenic variant.

Literature cited by the submitters: PubMed 30544257 (cited by Institute of Human Genetics, University of Leipzig Medical Center).

NM_001134407.3(GRIN2A):c.2450T>G (p.Met817Arg)

Gene: GRIN2A (glutamate ionotropic receptor NMDA type subunit 2A; minus strand). Cytogenetic location: 16p13.2.
Variant type: single nucleotide variant.
Coding change: c.2450T>G on transcript NM_001134407.3 (MANE Select); coding-DNA position 2450, T replaced by G.
Protein change: p.Met817Arg; replaces methionine 817 with arginine.
Molecular consequence: missense variant.
Genome position (GRCh38, 1-based): chr16:9,768,996, A>C on the plus strand (T>G on the coding strand, the complement: GRIN2A is on the minus strand). VCF-style: chr16-9768996-A-C. GRCh37 (hg19) VCF-style: chr16-9862853-A-C.
Other names: c.2450T>G, p.Met817Arg (NM_000833.5, NM_001134408.2); short protein forms M817R.
Identifiers: ClinVar variation 423745 (VCV000423745.3), dbSNP rs1064796608, ClinGen allele CA16620322.